The following is an entry in ClinVar:

ClinVar aggregate classification (germline): Uncertain significance (1 of 4 stars; one submission).

Allele frequency attached by ClinVar (database versions not stated): TOPMed 0.00001; ExAC 0.00002; gnomAD exomes 0.00002 and 0.00003; gnomAD 0.00003 and 0.00004.
gnomAD v4.1: 30 of 1,612,256 alleles (0.0019%); highest among the groups gnomAD compares: South Asian, 0.0055%; no homozygotes.

Submission:

Labcorp Genetics (formerly Invitae), Labcorp
Classification: Uncertain significance. Last evaluated: 2022-01-14. Review status: criteria provided, single submitter. Criteria: Invitae Variant Classification Sherloc (09022015). Collection method: clinical testing. Allele origin: germline.
Comment: This sequence change replaces arginine, which is basic and polar, with histidine, which is basic and polar, at codon 396 of the LTBP2 protein (p.Arg396His). This variant is present in population databases (rs765793427, gnomAD 0.007%). This variant has not been reported in the literature in individuals affected with LTBP2-related conditions. Algorithms developed to predict the effect of missense changes on protein structure and function are either unavailable or do not agree on the potential impact of this missense change (SIFT: "Deleterious"; PolyPhen-2: "Probably Damaging"; Align-GVGD: "Class C0"). In summary, the available evidence is currently insufficient to determine the role of this variant in disease. Therefore, it has been classified as a Variant of Uncertain Significance.

NM_000428.3(LTBP2):c.1187G>A (p.Arg396His)

Gene: LTBP2 (latent transforming growth factor beta binding protein 2; minus strand). Cytogenetic location: 14q24.3.
Variant type: single nucleotide variant.
Coding change: c.1187G>A on transcript NM_000428.3 (MANE Select); coding-DNA position 1187, G replaced by A.
Protein change: p.Arg396His; replaces arginine 396 with histidine.
Molecular consequence: missense variant.
Genome position (GRCh38, 1-based): chr14:74,552,897, C>T on the plus strand (G>A on the coding strand, the complement: LTBP2 is on the minus strand). VCF-style: chr14-74552897-C-T. GRCh37 (hg19) VCF-style: chr14-75019600-C-T.
Other names: short protein forms R396H.
Identifiers: ClinVar variation 1447850 (VCV001447850.5), dbSNP rs765793427, ClinGen allele CA7269971.